The following is an entry in ClinVar:

ClinVar aggregate classification (germline): Conflicting classifications of pathogenicity. Review status: criteria provided, conflicting classifications (1 of 4 stars). 4 submissions from 4 submitters: Uncertain significance (2); Benign (1); Likely benign (1). Last evaluated 2026-01-28.

Conditions:
Neurodevelopmental disorder with seizures and nonepileptic hyperkinetic movements. Identifiers: MedGen C5193128, MONDO:0032784, OMIM 618497.

Allele frequency attached by ClinVar (database versions not stated): TOPMed 0.00005; gnomAD 0.00022; gnomAD exomes 0.00033; ExAC 0.00073; 1000 Genomes Project 30x 0.00094; 1000 Genomes Project 0.00100.
gnomAD v4.1: 509 of 1,613,930 alleles (0.032%); highest among the groups gnomAD compares: South Asian, 0.52%; 5 homozygotes.

Submissions (4):

Labcorp Genetics (formerly Invitae), Labcorp
Classification: Benign. Last evaluated: 2026-01-28. Review status: criteria provided, single submitter. Criteria: Invitae Variant Classification Sherloc (09022015). Collection method: clinical testing. Allele origin: germline.

GeneDx
Classification: Uncertain significance. Last evaluated: 2025-04-16. Review status: criteria provided, single submitter. Criteria: GeneDx Variant Classification Process June 2021. Collection method: clinical testing. Allele origin: germline. Affected: yes.
Comment: Reported previously in the compound heterozygous state with p.(Lys894Met) in a patient with intractable infantile spasms, profound global developmental delays, focal sclerosis glomerular nephrosis, hypsarrhythmia, cortical visual impairment, periventricular leukomalacia, and cerebral atrophy (PMID: 37838930); In silico analysis indicates that this missense variant does not alter protein structure/function; This variant is associated with the following publications: (PMID: 37838930)

Blueprint Genetics
Classification: Likely benign. Last evaluated: 2024-05-08. Review status: criteria provided, single submitter. Criteria: ACMG Guidelines, 2015. Collection method: clinical testing. Allele origin: germline.

Revvity Omics, Revvity
Classification: Uncertain significance for Neurodevelopmental disorder with seizures and nonepileptic hyperkinetic movements. Last evaluated: 2023-07-25. Review status: criteria provided, single submitter. Criteria: ACMG Guidelines, 2015. Collection method: clinical testing. Allele origin: germline.

NM_000718.4(CACNA1B):c.3295G>A (p.Val1099Met)

Genes: CACNA1B (calcium voltage-gated channel subunit alpha1 B; plus strand), LOC101928786 (uncharacterized LOC101928786; minus strand). Cytogenetic location: 9q34.3.
Variant type: single nucleotide variant.
Coding change: c.3295G>A on transcript NM_000718.4 (MANE Select); coding-DNA position 3295, G replaced by A.
Protein change: p.Val1099Met; replaces valine 1099 with methionine.
Molecular consequence: missense variant. On other transcripts: non-coding transcript variant (1).
Genome position (GRCh38, 1-based): chr9:138,043,782, G>A. VCF-style: chr9-138043782-G-A. GRCh37 (hg19) VCF-style: chr9-140938234-G-A.
Other names: c.3295G>A, p.Val1099Met (NM_001243812.2); c.3295G>A (NM_000718.3); short protein forms V1099M.
Identifiers: ClinVar variation 2057907 (VCV002057907.9), dbSNP rs200861471, ClinGen allele CA5376616.